The following is an entry in ClinVar:

NM_014000.3(VCL):c.1921G>A (p.Gly641Ser)

Gene: VCL (vinculin; plus strand). Cytogenetic location: 10q22.2.
Variant type: single nucleotide variant.
Coding change: c.1921G>A on transcript NM_014000.3 (MANE Select); coding-DNA position 1921, G replaced by A.
Protein change: p.Gly641Ser; replaces glycine 641 with serine.
Molecular consequence: missense variant.
Genome position (GRCh38, 1-based): chr10:74,100,996, G>A. VCF-style: chr10-74100996-G-A. GRCh37 (hg19) VCF-style: chr10-75860754-G-A.
Other names: c.1921G>A, p.Gly641Ser (NM_003373.4); short protein forms G641S.
Identifiers: ClinVar variation 1004755 (VCV001004755.7), dbSNP rs765123545, ClinGen allele CA5563120.

ClinVar aggregate classification (germline): Uncertain significance. Review status: criteria provided, multiple submitters, no conflicts (2 of 4 stars). 2 submissions from 2 submitters: Uncertain significance (2). Last evaluated 2023-10-27.

Conditions:
Cardiovascular phenotype. Identifiers: MedGen CN230736.
Dilated cardiomyopathy 1W (CMD1W). Identifiers: Orphanet 154, MedGen C1969639, MONDO:0012667, OMIM 611407.

Allele frequency attached by ClinVar (database versions not stated): gnomAD exomes below 0.00001; ExAC 0.00001.
gnomAD v4.1: 5 of 1,614,048 alleles (0.00031%); highest among the groups gnomAD compares: South Asian, 0.0011%; no homozygotes.

Submissions (2):

Ambry Genetics
Classification: Uncertain significance for Cardiovascular phenotype. Last evaluated: 2023-10-27. Review status: criteria provided, single submitter. Criteria: Ambry Variant Classification Scheme 2023. Collection method: clinical testing. Allele origin: germline.
Comment: The p.G641S variant (also known as c.1921G>A), located in coding exon 14 of the VCL gene, results from a G to A substitution at nucleotide position 1921. The glycine at codon 641 is replaced by serine, an amino acid with similar properties. This amino acid position is conserved. In addition, the in silico prediction for this alteration is inconclusive. Since supporting evidence is limited at this time, the clinical significance of this alteration remains unclear.

Labcorp Genetics (formerly Invitae), Labcorp
Classification: Uncertain significance for Dilated cardiomyopathy 1W. Last evaluated: 2022-06-18. Review status: criteria provided, single submitter. Criteria: Invitae Variant Classification Sherloc (09022015). Collection method: clinical testing. Allele origin: germline.
Comment: This sequence change replaces glycine, which is neutral and non-polar, with serine, which is neutral and polar, at codon 641 of the VCL protein (p.Gly641Ser). The frequency data for this variant in the population databases is considered unreliable, as metrics indicate poor data quality at this position in the gnomAD database. This variant has not been reported in the literature in individuals affected with VCL-related conditions. ClinVar contains an entry for this variant (Variation ID: 1004755). Algorithms developed to predict the effect of missense changes on protein structure and function are either unavailable or do not agree on the potential impact of this missense change (SIFT: "Not Available"; PolyPhen-2: "Probably Damaging"; Align-GVGD: "Not Available"). In summary, the available evidence is currently insufficient to determine the role of this variant in disease. Therefore, it has been classified as a Variant of Uncertain Significance.